The following is an entry in ClinVar:

NM_018706.7(DHTKD1):c.634A>G (p.Ser212Gly)

Gene: DHTKD1 (dehydrogenase E1 and transketolase domain containing 1; plus strand). Cytogenetic location: 10p14.
Variant type: single nucleotide variant.
Coding change: c.634A>G on transcript NM_018706.7 (MANE Select); coding-DNA position 634, A replaced by G.
Protein change: p.Ser212Gly; replaces serine 212 with glycine.
Molecular consequence: missense variant.
Genome position (GRCh38, 1-based): chr10:12,087,646, A>G. VCF-style: chr10-12087646-A-G. GRCh37 (hg19) VCF-style: chr10-12129645-A-G.
Other names: short protein forms S212G.
Identifiers: ClinVar variation 4745104 (VCV004745104.1).

ClinVar aggregate classification (germline): Uncertain significance (1 of 4 stars; one submission).

Conditions:
2-aminoadipic 2-oxoadipic aciduria (AAKAD). Also called: Aminoadipic aciduria; ALPHA-AMINOADIPIC AND ALPHA-KETOADIPIC ACIDURIA. Identifiers: Orphanet 79154, MedGen C1859817, MONDO:0008774, OMIM 204750.

gnomAD v4.1: 5 of 1,614,084 alleles (0.00031%); highest among the groups gnomAD compares: Non-Finnish European, 0.00042%; no homozygotes.

Submission:

Labcorp Genetics (formerly Invitae), Labcorp
Classification: Uncertain significance for 2-aminoadipic 2-oxoadipic aciduria. Last evaluated: 2025-12-21. Review status: criteria provided, single submitter. Criteria: Invitae Variant Classification Sherloc (09022015). Collection method: clinical testing. Allele origin: germline.
Comment: This sequence change replaces serine, which is neutral and polar, with glycine, which is neutral and non-polar, at codon 212 of the DHTKD1 protein (p.Ser212Gly). This variant is not present in population databases (gnomAD no frequency). This variant has not been reported in the literature in individuals affected with DHTKD1-related conditions. Invitae Evidence Modeling of protein sequence and biophysical properties (such as structural, functional, and spatial information, amino acid conservation, physicochemical variation, residue mobility, and thermodynamic stability) indicates that this missense variant is not expected to disrupt DHTKD1 protein function with a negative predictive value of 80%. In summary, the available evidence is currently insufficient to determine the role of this variant in disease. Therefore, it has been classified as a Variant of Uncertain Significance.